The following is an entry in ClinVar:

ClinVar aggregate classification (germline): Uncertain significance (1 of 4 stars; one submission).

Conditions:
Autosomal recessive severe congenital neutropenia due to JAGN1 deficiency. Also called: Severe congenital neutropenia 6, autosomal recessive. Identifiers: Orphanet 423384, MedGen C4014954, MONDO:0014456, OMIM 616022.

Submission:

Labcorp Genetics (formerly Invitae), Labcorp
Classification: Uncertain significance for Autosomal recessive severe congenital neutropenia due to JAGN1 deficiency. Last evaluated: 2025-05-27. Review status: criteria provided, single submitter. Criteria: Invitae Variant Classification Sherloc (09022015). Collection method: clinical testing. Allele origin: germline.
Comment: This sequence change replaces serine, which is neutral and polar, with cysteine, which is neutral and slightly polar, at codon 91 of the JAGN1 protein (p.Ser91Cys). This variant is not present in population databases (gnomAD no frequency). This variant has not been reported in the literature in individuals affected with JAGN1-related conditions. An algorithm developed to predict the effect of missense changes on protein structure and function (PolyPhen-2) suggests that this variant is likely to be tolerated. In summary, the available evidence is currently insufficient to determine the role of this variant in disease. Therefore, it has been classified as a Variant of Uncertain Significance.

NM_032492.4(JAGN1):c.272C>G (p.Ser91Cys)

Gene: JAGN1 (jagunal vesicle mediated transporter 1; plus strand). Cytogenetic location: 3p25.3.
Variant type: single nucleotide variant.
Coding change: c.272C>G on transcript NM_032492.4 (MANE Select); coding-DNA position 272, C replaced by G.
Protein change: p.Ser91Cys; replaces serine 91 with cysteine.
Molecular consequence: missense variant.
Genome position (GRCh38, 1-based): chr3:9,893,097, C>G. VCF-style: chr3-9893097-C-G. GRCh37 (hg19) VCF-style: chr3-9934781-C-G.
Other names: c.110C>G, p.Ser37Cys (NM_001363890.1); short protein forms S37C, S91C.
Identifiers: ClinVar variation 4717100 (VCV004717100.1).
Genomic context (GRCh38, chr3:9,893,097, plus strand): 5'-CCTATCAGTGGGAATACCCGTATTTGCTGAGCATTTTGCCCTCTCTCTTGGGCCTTCTCT[C>G]CTTTCCCCGCAACAACATTAGCTACCTGGTGCTCTCCATGATCAGCATGGGACTCTTTTC-3'
Protein context (NP_115881.3, residues 81-101): SILPSLLGLL[Ser91Cys]FPRNNISYLV